The following is an entry in ClinVar:

NM_004380.3(CREBBP):c.5761T>C (p.Phe1921Leu)

Gene: CREBBP (CREB binding lysine acetyltransferase; minus strand). Cytogenetic location: 16p13.3.
Variant type: single nucleotide variant.
Coding change: c.5761T>C on transcript NM_004380.3 (MANE Select); coding-DNA position 5761, T replaced by C.
Protein change: p.Phe1921Leu; replaces phenylalanine 1921 with leucine.
Molecular consequence: missense variant.
Genome position (GRCh38, 1-based): chr16:3,729,286, A>G on the plus strand (T>C on the coding strand, the complement: CREBBP is on the minus strand). VCF-style: chr16-3729286-A-G. GRCh37 (hg19) VCF-style: chr16-3779287-A-G.
Other names: c.5647T>C, p.Phe1883Leu (NM_001079846.1); short protein forms F1921L, F1883L.
Identifiers: ClinVar variation 4988929 (VCV004988929.1).
Genomic context (GRCh38, chr16:3,729,286, plus strand): 5'-GGCTGGTAGGCTTCCCTGTGGACACCGTGGTGGGGGGCTGAGTCCGGGCCACGCTGGGGA[A>G]GCCAGCTGGTGACATGCTCACGGGTGAGGGTTGGGGCTGGGCAGGGGGCTGCGGCGTCTG-3'
Protein context (NP_004371.2, residues 1911-1931): PSPVSMSPAG[Phe1921Leu]PSVARTQPPT

ClinVar aggregate classification (germline): Uncertain significance (1 of 4 stars; one submission).

Conditions:
CREBBP-related disorder. Also called: CREBBP-related disorders; CREBBP-related condition.

gnomAD v4.1: 4 of 1,535,480 alleles (0.00026%); highest among the groups gnomAD compares: Non-Finnish European, 0.00035%; no homozygotes.

Submission:

PreventionGenetics, part of Exact Sciences
Classification: Uncertain significance for CREBBP-related condition. Last evaluated: 2025-03-20. Review status: criteria provided, single submitter. Criteria: ACMG Guidelines, 2015. Collection method: clinical testing. Allele origin: germline.
Comment: The CREBBP c.5761T>C variant is predicted to result in the amino acid substitution p.Phe1921Leu. To our knowledge, this variant has not been reported in the literature or in a large population database (gnomAD), indicating this variant is rare. At this time, the clinical significance of this variant is uncertain due to the absence of conclusive functional and genetic evidence.